The following is an entry in ClinVar:

NM_000051.4(ATM):c.7629+1del

Genes: ATM (ATM serine/threonine kinase; plus strand), C11orf65 (chromosome 11 open reading frame 65; minus strand). Cytogenetic location: 11q22.3.
Variant type: Deletion.
Coding change: c.7629+1del on transcript NM_000051.4 (MANE Select); the canonical splice donor site of the intron after coding-DNA position 7629, one base deleted (G; older notation c.7629+1delG).
Molecular consequence: splice donor variant. On other transcripts: non-coding transcript variant (1), intron variant (2).
Genome position (GRCh38, 1-based): chr11:108,331,558, G deleted. VCF-style (leftmost placement, unchanged base first): chr11-108331557-TG-T. GRCh37 (hg19) VCF-style: chr11-108202284-TG-T.
Other names: c.7629+1del (NM_001351834.2); c.641-22487del (NM_001330368.2); c.*38+3662del (NM_001351110.2).
Identifiers: ClinVar variation 2698104 (VCV002698104.5), dbSNP rs2547275846, ClinGen allele CA2615861376.
Genomic context (GRCh38, chr11:108,331,557, plus strand): 5'-GGCTGCTAGAATGGGGACCAAGATGATGGGAGGCCTAGGATTTCATGAAGTCCTCAATAA[TG>T]TAAGTAAACCTGAAAATCAAACCACAATAATTATTTTTATTCTATTATTACTATATATTA-3'

ClinVar aggregate classification (germline): Likely pathogenic. Review status: criteria provided, multiple submitters, no conflicts (2 of 4 stars). 3 submissions from 3 submitters: Likely pathogenic (3). Last evaluated 2024-02-04.

Conditions:
Ataxia-telangiectasia syndrome (AT). Also called: LOUIS-BAR SYNDROME; Cerebello-oculocutaneous telangiectasia; Immunodeficiency with ataxia telangiectasia; Ataxia telangiectasia (A-T); Ataxia-telangiectasia, complementation group D; AT, COMPLEMENTATION GROUP C. Identifiers: Orphanet 100, MedGen C0004135, MONDO:0008840, OMIM 208900.
Familial cancer of breast. Also called: BREAST CANCER, FAMILIAL; Hereditary breast cancer; hereditary breast carcinoma. Identifiers: Orphanet 227535, MedGen C0346153, MONDO:0016419, OMIM 114480. Disease mechanism: loss of function.

Allele frequency attached by ClinVar (database versions not stated): gnomAD exomes below 0.00001.

Submissions (3):

Baylor Genetics
Classification: Likely pathogenic for Familial cancer of breast. Last evaluated: 2024-02-04. Review status: criteria provided, single submitter. Criteria: ACMG Guidelines, 2015. Collection method: clinical testing. Allele origin: unknown.

Myriad Genetics, Inc.
Classification: Likely pathogenic for Familial cancer of breast. Last evaluated: 2024-01-31. Review status: criteria provided, single submitter. Criteria: Myriad Autosomal Dominant, Autosomal Recessive and X-Linked Classification Criteria (2023). Collection method: clinical testing. Allele origin: unknown.
Comment: This variant is considered likely pathogenic. This variant occurs within a consensus splice junction and is predicted to result in abnormal mRNA splicing of either an out-of-frame exon or an in-frame exon necessary for protein stability and/or normal function.

Labcorp Genetics (formerly Invitae), Labcorp
Classification: Likely pathogenic for Ataxia-telangiectasia syndrome. Last evaluated: 2023-11-21. Review status: criteria provided, single submitter. Criteria: Invitae Variant Classification Sherloc (09022015). Collection method: clinical testing. Allele origin: germline.
Comment: This sequence change affects a splice site in intron 51 of the ATM gene. It is expected to disrupt RNA splicing. Variants that disrupt the donor or acceptor splice site typically lead to a loss of protein function (PMID: 16199547), and loss-of-function variants in ATM are known to be pathogenic (PMID: 23807571, 25614872). This variant is not present in population databases (gnomAD no frequency). This variant has not been reported in the literature in individuals affected with ATM-related conditions. Algorithms developed to predict the effect of sequence changes on RNA splicing suggest that this variant may disrupt the consensus splice site. In summary, the currently available evidence indicates that the variant is pathogenic, but additional data are needed to prove that conclusively. Therefore, this variant has been classified as Likely Pathogenic.

Literature cited by the submitters: PubMed 16199547 (cited by Labcorp Genetics (formerly Invitae), Labcorp); PubMed 23807571 (cited by Labcorp Genetics (formerly Invitae), Labcorp); PubMed 25614872 (cited by Labcorp Genetics (formerly Invitae), Labcorp).